The following is an entry in ClinVar:

ClinVar aggregate classification (germline): Pathogenic/Likely pathogenic. Review status: criteria provided, multiple submitters, no conflicts (2 of 4 stars). 6 submissions from 6 submitters: Pathogenic (1); Likely pathogenic (3). 2 of the submissions do not count toward it. Last evaluated 2026-01-19.

Conditions:
3-methylcrotonyl-CoA carboxylase 1 deficiency (MCC1D). Also called: MCCD TYPE 1; METHYLCROTONYLGLYCINURIA TYPE I; MCC 1 deficiency; 3 Alpha methylcrotonylglycinuria 1. Identifiers: Orphanet 6, MedGen CN028786, MONDO:0008861, OMIM 210200.

Submissions (6):

Labcorp Genetics (formerly Invitae), Labcorp
Classification: Likely pathogenic for 3-methylcrotonyl-CoA carboxylase 1 deficiency. Last evaluated: 2026-01-19. Review status: criteria provided, single submitter. Criteria: Invitae Variant Classification Sherloc (09022015). Collection method: clinical testing. Allele origin: germline.
Comment: This sequence change creates a premature translational stop signal (p.Val697Serfs*19) in the MCCC1 gene. While this is not anticipated to result in nonsense mediated decay, it is expected to disrupt the last 29 amino acid(s) of the MCCC1 protein. This variant is present in population databases (rs746267545, gnomAD 0.002%). This premature translational stop signal has been observed in individual(s) with methylcrotonyl-CoA carboxylase deficiency (PMID: 22642865; internal data). ClinVar contains an entry for this variant (Variation ID: 660413). This variant disrupts the C-terminus of the MCCC1 protein. Other variant(s) that disrupt this region (p.His708Glnfs*8) have been observed in individuals with MCCC1-related conditions (PMID: 22642865). This suggests that this may be a clinically significant region of the protein. In summary, the currently available evidence indicates that the variant is pathogenic, but additional data are needed to prove that conclusively. Therefore, this variant has been classified as Likely Pathogenic.

Natera, Inc.
Classification: Likely pathogenic for 3-methylcrotonyl-CoA carboxylase 1 deficiency. Last evaluated: 2025-06-27. Review status: criteria provided, single submitter. Criteria: Natera Variant Classification Schema (03/2026). Collection method: clinical testing. Allele origin: germline.
Comment: The c.2088dup variant in MCCC1 is a frameshift variant predicted to shift the reading frame beginning at codon 697 and leads to a stop codon 19 codons downstream. This variant may result in a truncated or dysfunctional protein product. This variant is rare in the general population with a frequency below the threshold expected for the associated phenotype(s). This variant has been observed in one or more individuals affected with the associated recessive disease, as either homozygous or compound heterozygous with a second variant (PMID: 22642865). Given the available evidence, this variant is classified as Likely Pathogenic.

Baylor Genetics
Classification: Pathogenic for 3-methylcrotonyl-CoA carboxylase 1 deficiency. Last evaluated: 2023-12-27. Review status: criteria provided, single submitter. Criteria: ACMG Guidelines, 2015. Collection method: clinical testing. Allele origin: unknown.

Revvity Omics, Revvity
Classification: Likely pathogenic for 3-methylcrotonyl-CoA carboxylase 1 deficiency. Last evaluated: 2022-10-10. Review status: criteria provided, single submitter. Criteria: ACMG Guidelines, 2015. Collection method: clinical testing. Allele origin: germline.

Clinical Genetics DNA and cytogenetics Diagnostics Lab, Erasmus MC, Erasmus Medical Center
Classification: Likely pathogenic. Review status: no assertion criteria provided. Collection method: clinical testing. Allele origin: germline. Affected: yes. Study: VKGL Data-share Consensus. Not counted in ClinVar's aggregate classification.

Diagnostic Laboratory, Department of Genetics, University Medical Center Groningen
Classification: Pathogenic. Review status: no assertion criteria provided. Collection method: clinical testing. Allele origin: germline. Affected: yes. Study: VKGL Data-share Consensus. Not counted in ClinVar's aggregate classification.

Literature cited by the submitters: PubMed 22642865 (cited by Labcorp Genetics (formerly Invitae), Labcorp and Natera, Inc.).

NM_020166.5(MCCC1):c.2088dup (p.Val697fs)

Gene: MCCC1 (methylcrotonyl-CoA carboxylase subunit 1; minus strand). Cytogenetic location: 3q27.1.
Variant type: Duplication.
Coding change: c.2088dup on transcript NM_020166.5 (MANE Select); coding-DNA position 2088, one base duplicated (A; older notation c.2088dupA).
Protein change: p.Val697fs; shifts the reading frame from valine 697.
Molecular consequence: frameshift variant. On other transcripts: non-coding transcript variant (2).
Genome position (GRCh38, 1-based): chr3:183,015,528, T duplicated on the plus strand (A on the coding strand, the reverse complement: MCCC1 is on the minus strand); the first of 3 consecutive T bases (chr3:183,015,528-183,015,530); duplicating any one gives the same sequence. VCF-style (leftmost placement, unchanged base first): chr3-183015527-C-CT. GRCh37 (hg19) VCF-style: chr3-182733315-C-CT.
Other names: c.2088dupA (NM_020166.4); c.1737dup, p.Val580fs (NM_001293273.2); c.1761dup, p.Val588fs (NM_001363880.1); c.2088dup (NM_020166.4); short protein forms V697fs, V580fs, V588fs.
Identifiers: ClinVar variation 660413 (VCV000660413.16), dbSNP rs746267545, ClinGen allele CA2718555.